The following is an entry in ClinVar:

ClinVar aggregate classification (germline): Uncertain significance (1 of 4 stars; one submission).

Conditions:
Immunodeficiency, common variable, 4. Also called: ANTIBODY DEFICIENCY DUE TO BAFFR DEFECT. Identifiers: Orphanet 1572, Orphanet 696925, MedGen C3150739, MONDO:0013284, OMIM 613494.

Allele frequency attached by ClinVar (database versions not stated): TOPMed below 0.00001; gnomAD 0.00001.
gnomAD v4.1: 5 of 1,592,298 alleles (0.00031%); highest among the groups gnomAD compares: East Asian, 0.009%; no homozygotes.

Submission:

Labcorp Genetics (formerly Invitae), Labcorp
Classification: Uncertain significance for Immunodeficiency, common variable, 4. Last evaluated: 2025-08-19. Review status: criteria provided, single submitter. Criteria: Invitae Variant Classification Sherloc (09022015). Collection method: clinical testing. Allele origin: germline.
Comment: This sequence change replaces proline, which is neutral and non-polar, with serine, which is neutral and polar, at codon 82 of the TNFRSF13C protein (p.Pro82Ser). This variant is present in population databases (no rsID available, gnomAD 0.02%). This variant has not been reported in the literature in individuals affected with TNFRSF13C-related conditions. ClinVar contains an entry for this variant (Variation ID: 3013528). An algorithm developed to predict the effect of missense changes on protein structure and function (PolyPhen-2) suggests that this variant is likely to be disruptive. In summary, the available evidence is currently insufficient to determine the role of this variant in disease. Therefore, it has been classified as a Variant of Uncertain Significance.

NM_052945.4(TNFRSF13C):c.244C>T (p.Pro82Ser)

Genes: TNFRSF13C (TNF receptor superfamily member 13C; minus strand), LOC130067574 (ATAC-STARR-seq lymphoblastoid silent region 13813; plus strand). Cytogenetic location: 22q13.2.
Variant type: single nucleotide variant.
Coding change: c.244C>T on transcript NM_052945.4 (MANE Select); coding-DNA position 244, C replaced by T.
Protein change: p.Pro82Ser; replaces proline 82 with serine.
Molecular consequence: missense variant.
Genome position (GRCh38, 1-based): chr22:41,926,224, G>A on the plus strand (C>T on the coding strand, the complement: TNFRSF13C is on the minus strand). VCF-style: chr22-41926224-G-A. GRCh37 (hg19) VCF-style: chr22-42322228-G-A.
Other names: short protein forms P82S.
Identifiers: ClinVar variation 3013528 (VCV003013528.3), dbSNP rs908233357, ClinGen allele CA324633593.